The following is an entry in ClinVar:

ClinVar aggregate classification (germline): Pathogenic. Review status: criteria provided, multiple submitters, no conflicts (2 of 4 stars). 2 submissions from 2 submitters: Pathogenic (2). Last evaluated 2025-08-29.

Conditions:
Hypophosphatasia. Also called: Phosphoethanol-aminuria. Identifiers: Orphanet 436, MedGen C0020630, MeSH D007014, MONDO:0018570.

Submissions (2):

Genomenon, Inc
Classification: Pathogenic for Hypophosphatasia. Last evaluated: 2025-08-29. Review status: criteria provided, single submitter. Criteria: Genomenon Sequence Variant Interpretation Standards. Collection method: curation. Allele origin: germline. Affected: yes.
Comment: ALPL c.472+1G>A is a canonical splice variant located in the donor splice region of intron 5. This variant has been observed in a proband affected with hypophosphatasia (PMID:20924064). It is absent or not present at a significant frequency in gnomAD. In conclusion, we classify ALPL c.472+1G>A as a pathogenic variant.

Labcorp Genetics (formerly Invitae), Labcorp
Classification: Pathogenic. Last evaluated: 2025-04-30. Review status: criteria provided, single submitter. Criteria: Invitae Variant Classification Sherloc (09022015). Collection method: clinical testing. Allele origin: germline.
Comment: This sequence change affects a donor splice site in intron 5 of the ALPL gene. It is expected to disrupt RNA splicing. Variants that disrupt the donor or acceptor splice site typically lead to a loss of protein function (PMID: 16199547), and loss-of-function variants in ALPL are known to be pathogenic (PMID: 3174660, 10679946, 32973344, 33814268). This variant is not present in population databases (gnomAD no frequency). Disruption of this splice site has been observed in individual(s) with hypophosphatasia (PMID: 20924064). In at least one individual the data is consistent with being in trans (on the opposite chromosome) from a pathogenic variant. Algorithms developed to predict the effect of sequence changes on RNA splicing suggest that this variant may disrupt the consensus splice site. For these reasons, this variant has been classified as Pathogenic.

Literature cited by the submitters: PubMed 20924064 (cited by Genomenon, Inc and Labcorp Genetics (formerly Invitae), Labcorp); PubMed 16199547 (cited by Labcorp Genetics (formerly Invitae), Labcorp); PubMed 3174660 (cited by Labcorp Genetics (formerly Invitae), Labcorp); PubMed 10679946 (cited by Labcorp Genetics (formerly Invitae), Labcorp); PubMed 32973344 (cited by Labcorp Genetics (formerly Invitae), Labcorp); PubMed 33814268 (cited by Labcorp Genetics (formerly Invitae), Labcorp).

NM_000478.6(ALPL):c.472+1G>A

Gene: ALPL (alkaline phosphatase, biomineralization associated; plus strand). Cytogenetic location: 1p36.12.
Variant type: single nucleotide variant.
Coding change: c.472+1G>A on transcript NM_000478.6 (MANE Select); the canonical splice donor site of the intron after coding-DNA position 472, G replaced by A.
Molecular consequence: splice donor variant.
Genome position (GRCh38, 1-based): chr1:21,563,285, G>A. VCF-style: chr1-21563285-G-A. GRCh37 (hg19) VCF-style: chr1-21889778-G-A.
Other names: c.472+1G>A (NM_001369805.2, NM_001369804.2, NM_001369803.2); c.307+1G>A (NM_001127501.4); c.241+1G>A (NM_001177520.3).
Identifiers: ClinVar variation 4086811 (VCV004086811.2).